The following is an entry in ClinVar:

ClinVar aggregate classification (germline): Uncertain significance. Review status: criteria provided, multiple submitters, no conflicts (2 of 4 stars). 2 submissions from 2 submitters: Uncertain significance (2). Last evaluated 2021-04-12.

Conditions:
D-2-hydroxyglutaric aciduria 2 (D2HGA2). Identifiers: Orphanet 79315, MedGen C3150909, MONDO:0013345, OMIM 613657.

Allele frequency attached by ClinVar (database versions not stated): gnomAD exomes below 0.00001 and 0.00001; ExAC 0.00001; gnomAD 0.00001; ESP Exome Variant Server 0.00008.
gnomAD v4.1: 19 of 1,614,026 alleles (0.0012%); highest among the groups gnomAD compares: East Asian, 0.0022%; no homozygotes.

Submissions (2):

Labcorp Genetics (formerly Invitae), Labcorp
Classification: Uncertain significance for D-2-hydroxyglutaric aciduria 2. Last evaluated: 2021-04-12. Review status: criteria provided, single submitter. Criteria: Invitae Variant Classification Sherloc (09022015). Collection method: clinical testing. Allele origin: germline.
Comment: This sequence change replaces glycine with serine at codon 216 of the IDH2 protein (p.Gly216Ser). The glycine residue is highly conserved and there is a small physicochemical difference between glycine and serine. This variant is present in population databases (rs370851685, ExAC 0.01%). This variant has not been reported in the literature in individuals with IDH2-related conditions. Algorithms developed to predict the effect of missense changes on protein structure and function are either unavailable or do not agree on the potential impact of this missense change (SIFT: "Tolerated"; PolyPhen-2: "Probably Damaging"; Align-GVGD: "Class C0"). In summary, the available evidence is currently insufficient to determine the role of this variant in disease. Therefore, it has been classified as a Variant of Uncertain Significance.

Blueprint Genetics
Classification: Uncertain significance. Last evaluated: 2019-11-29. Review status: criteria provided, single submitter. Criteria: ACMG Guidelines, 2015. Collection method: clinical testing. Allele origin: germline.

NM_002168.4(IDH2):c.646G>A (p.Gly216Ser)

Gene: IDH2 (isocitrate dehydrogenase (NADP(+)) 2; minus strand). Cytogenetic location: 15q26.1.
Variant type: single nucleotide variant.
Coding change: c.646G>A on transcript NM_002168.4 (MANE Select); coding-DNA position 646, G replaced by A.
Protein change: p.Gly216Ser; replaces glycine 216 with serine.
Molecular consequence: missense variant.
Genome position (GRCh38, 1-based): chr15:90,088,391, C>T on the plus strand (G>A on the coding strand, the complement: IDH2 is on the minus strand). VCF-style: chr15-90088391-C-T. GRCh37 (hg19) VCF-style: chr15-90631623-C-T.
Other names: c.490G>A, p.Gly164Ser (NM_001289910.1); c.256G>A, p.Gly86Ser (NM_001290114.2); short protein forms G164S, G86S, G216S.
Identifiers: ClinVar variation 1402900 (VCV001402900.9), dbSNP rs370851685, ClinGen allele CA7733122.